The following is an entry in ClinVar:

NM_001457.4(FLNB):c.3476C>T (p.Ser1159Leu)

Gene: FLNB (filamin B; plus strand). Cytogenetic location: 3p14.3.
Variant type: single nucleotide variant.
Coding change: c.3476C>T on transcript NM_001457.4 (MANE Select); coding-DNA position 3476, C replaced by T.
Protein change: p.Ser1159Leu; replaces serine 1159 with leucine.
Molecular consequence: missense variant.
Genome position (GRCh38, 1-based): chr3:58,123,442, C>T. VCF-style: chr3-58123442-C-T. GRCh37 (hg19) VCF-style: chr3-58109169-C-T.
Other names: c.3476C>T, p.Ser1159Leu (NM_001164317.2, NM_001164318.2, NM_001164319.2); short protein forms S1159L.
Identifiers: ClinVar variation 903135 (VCV000903135.12), dbSNP rs201254275, ClinGen allele CA2468422.

ClinVar aggregate classification (germline): Conflicting classifications of pathogenicity. Review status: criteria provided, conflicting classifications (1 of 4 stars). 4 submissions from 4 submitters: Uncertain significance (3); Benign (1). Last evaluated 2025-12-11.

Conditions:
Connective tissue disorder. Also called: Connective tissue disease. Identifiers: MedGen C0009782, MONDO:0003900.
FLNB-Related Spectrum Disorders.

Allele frequency attached by ClinVar (database versions not stated): ExAC 0.00003; gnomAD exomes 0.00006; ESP Exome Variant Server 0.00008; gnomAD 0.00011 and 0.00013; 1000 Genomes Project 30x 0.00016; 1000 Genomes Project 0.00020.

Submissions (4):

Labcorp Genetics (formerly Invitae), Labcorp
Classification: Benign. Last evaluated: 2025-12-11. Review status: criteria provided, single submitter. Criteria: Invitae Variant Classification Sherloc (09022015). Collection method: clinical testing. Allele origin: germline.

GeneDx
Classification: Uncertain significance. Last evaluated: 2022-11-08. Review status: criteria provided, single submitter. Criteria: GeneDx Variant Classification Process June 2021. Collection method: clinical testing. Allele origin: germline. Affected: yes.
Comment: In silico analysis supports that this missense variant has a deleterious effect on protein structure/function; Has not been previously published as pathogenic or benign to our knowledge

Genome Diagnostics Laboratory, The Hospital for Sick Children
Classification: Uncertain significance for Connective tissue disorder. Last evaluated: 2018-08-15. Review status: criteria provided, single submitter. Criteria: ACMG Guidelines, 2015. Collection method: clinical testing. Allele origin: germline.

Illumina Laboratory Services, Illumina
Classification: Uncertain significance for FLNB-Related Spectrum Disorders. Last evaluated: 2018-01-12. Review status: criteria provided, single submitter. Criteria: ICSL Variant Classification Criteria 13 December 2019. Collection method: clinical testing. Allele origin: germline.